The following is an entry in ClinVar:

ClinVar aggregate classification (germline): Uncertain significance (1 of 4 stars; one submission).

Submission:

GeneDx
Classification: Uncertain significance. Last evaluated: 2023-10-12. Review status: criteria provided, single submitter. Criteria: GeneDx Variant Classification Process June 2021. Collection method: clinical testing. Allele origin: germline. Affected: yes.
Comment: Not observed at significant frequency in large population cohorts (gnomAD); In silico analysis supports that this missense variant does not alter protein structure/function; Has not been previously published as pathogenic or benign to our knowledge

NM_133433.4(NIPBL):c.6988C>A (p.Pro2330Thr)

Gene: NIPBL (NIPBL cohesin loading factor; plus strand). Cytogenetic location: 5p13.2.
Variant type: single nucleotide variant.
Coding change: c.6988C>A on transcript NM_133433.4 (MANE Select); coding-DNA position 6988, C replaced by A.
Protein change: p.Pro2330Thr; replaces proline 2330 with threonine.
Molecular consequence: missense variant.
Genome position (GRCh38, 1-based): chr5:37,051,812, C>A. VCF-style: chr5-37051812-C-A. GRCh37 (hg19) VCF-style: chr5-37051914-C-A.
Other names: c.6988C>A, p.Pro2330Thr (NM_015384.5); short protein forms P2330T.
Identifiers: ClinVar variation 1313556 (VCV001313556.3), dbSNP rs764147606, ClinGen allele CA359509664.